The following is an entry in ClinVar:

NM_015909.4(NBAS):c.4180G>C (p.Asp1394His)

Gene: NBAS (NBAS subunit of NRZ tethering complex; minus strand). Cytogenetic location: 2p24.3.
Variant type: single nucleotide variant.
Coding change: c.4180G>C on transcript NM_015909.4 (MANE Select); coding-DNA position 4180, G replaced by C.
Protein change: p.Asp1394His; replaces aspartic acid 1394 with histidine.
Molecular consequence: missense variant. On other transcripts: non-coding transcript variant (1).
Genome position (GRCh38, 1-based): chr2:15,330,765, C>G on the plus strand (G>C on the coding strand, the complement: NBAS is on the minus strand). VCF-style: chr2-15330765-C-G. GRCh37 (hg19) VCF-style: chr2-15470889-C-G.
Other names: short protein forms D1394H.
Identifiers: ClinVar variation 1394093 (VCV001394093.6), dbSNP rs200204965, ClinGen allele CA42610121.

ClinVar aggregate classification (germline): Uncertain significance (1 of 4 stars; one submission).

Submission:

Labcorp Genetics (formerly Invitae), Labcorp
Classification: Uncertain significance. Last evaluated: 2022-07-19. Review status: criteria provided, single submitter. Criteria: Invitae Variant Classification Sherloc (09022015). Collection method: clinical testing. Allele origin: germline.
Comment: Algorithms developed to predict the effect of sequence changes on RNA splicing suggest that this variant may disrupt the consensus splice site. Algorithms developed to predict the effect of missense changes on protein structure and function (SIFT, PolyPhen-2, Align-GVGD) all suggest that this variant is likely to be disruptive. ClinVar contains an entry for this variant (Variation ID: 1394093). This variant has not been reported in the literature in individuals affected with NBAS-related conditions. This variant is not present in population databases (gnomAD no frequency). This sequence change replaces aspartic acid, which is acidic and polar, with histidine, which is basic and polar, at codon 1394 of the NBAS protein (p.Asp1394His). In summary, the available evidence is currently insufficient to determine the role of this variant in disease. Therefore, it has been classified as a Variant of Uncertain Significance.